The following is an entry in ClinVar:

ClinVar aggregate classification (germline): Benign/Likely benign. Review status: criteria provided, multiple submitters, no conflicts (2 of 4 stars). 3 submissions from 3 submitters: Benign (2); Likely benign (1). Last evaluated 2025-11-03.

Allele frequency attached by ClinVar (database versions not stated): gnomAD 0.00005 and 0.00006; TOPMed 0.00008; 1000 Genomes Project 30x 0.00016; gnomAD exomes 0.00018; 1000 Genomes Project 0.00020; ExAC 0.00026.
gnomAD v4.1: 50 of 1,609,740 alleles (0.0031%); highest among the groups gnomAD compares: East Asian, 0.092%; no homozygotes.

Submissions (3):

Women's Health and Genetics/Laboratory Corporation of America, LabCorp
Classification: Likely benign. Last evaluated: 2025-11-03. Review status: criteria provided, single submitter. Criteria: LabCorp Variant Classification Summary - May 2015. Collection method: clinical testing. Allele origin: germline.
Comment: Variant summary: COL9A3 c.1054-13C>G alters a non-conserved nucleotide located at a position not widely known to affect splicing. The variant allele was found at a frequency of 0.00018 in 238754 control chromosomes, predominantly at a frequency of 0.0023 within the East Asian subpopulation in the gnomAD database. This frequency is not significantly higher than estimated for disease-causing variants in COL9A3, allowing no conclusion about variant significance. To our knowledge, no occurrence of c.1054-13C>G in individuals affected with COL9A3-related conditions and no experimental evidence demonstrating its impact on protein function have been reported. ClinVar contains an entry for this variant (Variation ID: 1569157). Based on the evidence outlined above, the variant was classified as likely benign.

Labcorp Genetics (formerly Invitae), Labcorp
Classification: Benign. Last evaluated: 2025-09-09. Review status: criteria provided, single submitter. Criteria: Invitae Variant Classification Sherloc (09022015). Collection method: clinical testing. Allele origin: germline.

Blueprint Genetics
Classification: Benign. Last evaluated: 2022-09-08. Review status: criteria provided, single submitter. Criteria: ACMG Guidelines, 2015. Collection method: clinical testing. Allele origin: germline.

NM_001853.4(COL9A3):c.1054-13C>G

Gene: COL9A3 (collagen type IX alpha 3 chain; plus strand). Cytogenetic location: 20q13.33.
Variant type: single nucleotide variant.
Coding change: c.1054-13C>G on transcript NM_001853.4 (MANE Select); 13 bases into the intron before coding-DNA position 1054, C replaced by G.
Molecular consequence: intron variant.
Genome position (GRCh38, 1-based): chr20:62,829,615, C>G. VCF-style: chr20-62829615-C-G. GRCh37 (hg19) VCF-style: chr20-61460967-C-G.
Identifiers: ClinVar variation 1569157 (VCV001569157.10), dbSNP rs562578001, ClinGen allele CA9949732.
Genomic context (GRCh38, chr20:62,829,615, plus strand): 5'-AGGGGCTGGGGGGCCAGCGACCTGGCCCCAGTGCAGGTGTAGGCAGGCACTCACAGCTCT[C>G]CTTCCTCTACAGGGCAGAGCTGGGGAGCTGGGTGAGGCCGGCCCCTCTGGAGAGCCAGGC-3'